The following is an entry in ClinVar:

NM_000286.3(PEX12):c.599T>C (p.Leu200Pro)

Gene: PEX12 (peroxisomal biogenesis factor 12; minus strand). Cytogenetic location: 17q12.
Variant type: single nucleotide variant.
Coding change: c.599T>C on transcript NM_000286.3 (MANE Select); coding-DNA position 599, T replaced by C.
Protein change: p.Leu200Pro; replaces leucine 200 with proline.
Molecular consequence: missense variant.
Genome position (GRCh38, 1-based): chr17:35,577,119, A>G on the plus strand (T>C on the coding strand, the complement: PEX12 is on the minus strand). VCF-style: chr17-35577119-A-G. GRCh37 (hg19) VCF-style: chr17-33904138-A-G.
Other names: short protein forms L200P.
Identifiers: ClinVar variation 1996742 (VCV001996742.1), dbSNP rs2509169632, ClinGen allele CA399137789.

ClinVar aggregate classification (germline): Uncertain significance (1 of 4 stars; one submission).

Conditions:
Peroxisome biogenesis disorder 3A (Zellweger). Also called: Peroxisome biogenesis disorder 3A; PEROXISOMAL BIOGENESIS DISORDER 3A (ZELLWEGER). Identifiers: Orphanet 912, MedGen C3553929, MONDO:0013927, OMIM 614859.

Submission:

Labcorp Genetics (formerly Invitae), Labcorp
Classification: Uncertain significance for Peroxisome biogenesis disorder 3A (Zellweger). Last evaluated: 2022-05-20. Review status: criteria provided, single submitter. Criteria: Invitae Variant Classification Sherloc (09022015). Collection method: clinical testing. Allele origin: germline.
Comment: This sequence change replaces leucine, which is neutral and non-polar, with proline, which is neutral and non-polar, at codon 200 of the PEX12 protein (p.Leu200Pro). This variant is not present in population databases (gnomAD no frequency). This variant has not been reported in the literature in individuals affected with PEX12-related conditions. Algorithms developed to predict the effect of missense changes on protein structure and function (SIFT, PolyPhen-2, Align-GVGD) all suggest that this variant is likely to be disruptive. In summary, the available evidence is currently insufficient to determine the role of this variant in disease. Therefore, it has been classified as a Variant of Uncertain Significance.